The following is an entry in ClinVar:

ClinVar aggregate classification (germline): Uncertain significance (1 of 4 stars; one submission).

Allele frequency attached by ClinVar (database versions not stated): gnomAD exomes below 0.00001; TOPMed 0.00001.
gnomAD v4.1: 6 of 1,614,246 alleles (0.00037%); highest among the groups gnomAD compares: South Asian, 0.0011%; no homozygotes.

Submission:

Labcorp Genetics (formerly Invitae), Labcorp
Classification: Uncertain significance. Last evaluated: 2022-03-07. Review status: criteria provided, single submitter. Criteria: Invitae Variant Classification Sherloc (09022015). Collection method: clinical testing. Allele origin: germline.
Comment: This sequence change replaces threonine, which is neutral and polar, with methionine, which is neutral and non-polar, at codon 389 of the TNFAIP3 protein (p.Thr389Met). This variant is not present in population databases (gnomAD no frequency). This variant has not been reported in the literature in individuals affected with TNFAIP3-related conditions. Algorithms developed to predict the effect of missense changes on protein structure and function are either unavailable or do not agree on the potential impact of this missense change (SIFT: "Deleterious"; PolyPhen-2: "Probably Damaging"; Align-GVGD: "Class C15"). In summary, the available evidence is currently insufficient to determine the role of this variant in disease. Therefore, it has been classified as a Variant of Uncertain Significance.

NM_001270508.2(TNFAIP3):c.1166C>T (p.Thr389Met)

Gene: TNFAIP3 (TNF alpha induced protein 3; plus strand). Cytogenetic location: 6q23.3.
Variant type: single nucleotide variant.
Coding change: c.1166C>T on transcript NM_001270508.2 (MANE Select); coding-DNA position 1166, C replaced by T.
Protein change: p.Thr389Met; replaces threonine 389 with methionine.
Molecular consequence: missense variant.
Genome position (GRCh38, 1-based): chr6:137,878,611, C>T. VCF-style: chr6-137878611-C-T. GRCh37 (hg19) VCF-style: chr6-138199748-C-T.
Other names: c.1166C>T, p.Thr389Met (NM_001270507.2, NM_006290.4); short protein forms T389M.
Identifiers: ClinVar variation 1375480 (VCV001375480.8), dbSNP rs1776328032, ClinGen allele CA365788822.